The following is an entry in ClinVar:

NM_000030.3(AGXT):c.346G>T (p.Gly116Trp)

Gene: AGXT (alanine--glyoxylate aminotransferase; plus strand). Cytogenetic location: 2q37.3.
Variant type: single nucleotide variant.
Coding change: c.346G>T on transcript NM_000030.3 (MANE Select); coding-DNA position 346, G replaced by T.
Protein change: p.Gly116Trp; replaces glycine 116 with tryptophan.
Molecular consequence: missense variant.
Genome position (GRCh38, 1-based): chr2:240,869,350, G>T. VCF-style: chr2-240869350-G-T. GRCh37 (hg19) VCF-style: chr2-241808767-G-T.
Other names: short protein forms G116W.
Identifiers: ClinVar variation 2681163 (VCV002681163.1), dbSNP rs180177207, ClinGen allele CA351313963.

ClinVar aggregate classification (germline): Pathogenic (1 of 4 stars; one submission).

Conditions:
Primary hyperoxaluria, type I (HP1). Also called: OXALOSIS I; Primary hyperoxaluria type 1; GLYCOLIC ACIDURIA; HEPATIC AGT DEFICIENCY. Identifiers: Orphanet 416, Orphanet 93598, MedGen C0268164, MONDO:0009823, OMIM 259900. Disease mechanism: loss of function.

Submission:

Clinical Biochemistry Laboratory, Health Services Laboratory
Classification: Pathogenic for Primary hyperoxaluria, type I. Last evaluated: 2023-10-27. Review status: criteria provided, single submitter. Criteria: ACMG Guidelines, 2015. Collection method: curation. Allele origin: germline. Affected: yes.
Comment: Liver AGT activity <5%. ACMG:PS3 PS5 PM2 PM3 PP3 PP5

Literature cited by the submitters: PubMed 35678848.